The following is an entry in ClinVar:

ClinVar aggregate classification (germline): Uncertain significance. Review status: criteria provided, multiple submitters, no conflicts (2 of 4 stars). 3 submissions from 3 submitters: Uncertain significance (2). 1 of the submissions does not count toward it. Last evaluated 2024-11-23.

Conditions:
Inborn genetic diseases. Identifiers: MedGen C0950123, MeSH D030342.
Dyskeratosis congenita. Identifiers: Orphanet 1775, MedGen C0265965, MONDO:0015780.
Dyskeratosis congenita, autosomal recessive 5 (DKCB5). Identifiers: MedGen C3554656, MONDO:0014076, OMIM 615190.
Pulmonary fibrosis and/or bone marrow failure, Telomere-related, 3. Also called: PULMONARY FIBROSIS AND/OR BONE MARROW FAILURE SYNDROME, TELOMERE-RELATED, 3. Identifiers: Orphanet 2032, MedGen C4225346, MONDO:0014613, OMIM 616373.

Allele frequency attached by ClinVar (database versions not stated): TOPMed 0.00001.
gnomAD v4.1: 13 of 1,612,562 alleles (0.00081%); highest among the groups gnomAD compares: Middle Eastern, 0.017%; no homozygotes.

Submissions (3):

Ambry Genetics
Classification: Uncertain significance for Inborn genetic diseases. Last evaluated: 2024-11-23. Review status: criteria provided, single submitter. Criteria: Ambry Variant Classification Scheme 2023. Collection method: clinical testing. Allele origin: germline.
Comment: The p.A1105G variant (also known as c.3314C>G), located in coding exon 31 of the RTEL1 gene, results from a C to G substitution at nucleotide position 3314. The alanine at codon 1105 is replaced by glycine, an amino acid with similar properties. This amino acid position is conserved. In addition, this alteration is predicted to be tolerated by in silico analysis. Based on the available evidence, the clinical significance of this variant remains unclear.

Labcorp Genetics (formerly Invitae), Labcorp
Classification: Uncertain significance for Dyskeratosis congenita, autosomal recessive 5; Pulmonary fibrosis and/or bone marrow failure, Telomere-related, 3. Last evaluated: 2021-08-24. Review status: criteria provided, single submitter. Criteria: Invitae Variant Classification Sherloc (09022015). Collection method: clinical testing. Allele origin: germline.
Comment: This sequence change replaces alanine with glycine at codon 1105 of the RTEL1 protein (p.Ala1105Gly). The alanine residue is weakly conserved and there is a small physicochemical difference between alanine and glycine. This variant is not present in population databases (ExAC no frequency). This variant has not been reported in the literature in individuals affected with RTEL1-related conditions. Algorithms developed to predict the effect of missense changes on protein structure and function (SIFT, PolyPhen-2, Align-GVGD) all suggest that this variant is likely to be tolerated. In summary, the available evidence is currently insufficient to determine the role of this variant in disease. Therefore, it has been classified as a Variant of Uncertain Significance.

Natera, Inc.
Classification: Uncertain significance for Dyskeratosis congenita. Last evaluated: 2020-10-27. Review status: no assertion criteria provided. Collection method: clinical testing. Allele origin: germline. Not counted in ClinVar's aggregate classification.

NM_001283009.2(RTEL1):c.3314C>G (p.Ala1105Gly)

Genes: RTEL1-TNFRSF6B (RTEL1-TNFRSF6B readthrough (NMD candidate); plus strand), RTEL1 (regulator of telomere elongation helicase 1; plus strand). Cytogenetic location: 20q13.33.
Variant type: single nucleotide variant.
Coding change: c.3314C>G on transcript NM_001283009.2 (MANE Select); coding-DNA position 3314, C replaced by G.
Protein change: p.Ala1105Gly; replaces alanine 1105 with glycine.
Molecular consequence: missense variant. On other transcripts: non-coding transcript variant (1).
Genome position (GRCh38, 1-based): chr20:63,694,945, C>G. VCF-style: chr20-63694945-C-G. GRCh37 (hg19) VCF-style: chr20-62326298-C-G.
Other names: c.2645C>G, p.Ala882Gly (NM_001283010.1); c.3314C>G, p.Ala1105Gly (NM_016434.4); c.3386C>G, p.Ala1129Gly (NM_032957.5); short protein forms A1105G, A1129G, A882G.
Identifiers: ClinVar variation 855366 (VCV000855366.12), dbSNP rs1193975279, ClinGen allele CA409685166.